The following is an entry in ClinVar:

NM_000260.4(MYO7A):c.2361C>G (p.Tyr787Ter)

Gene: MYO7A (myosin VIIA; plus strand). Cytogenetic location: 11q13.5.
Variant type: single nucleotide variant.
Coding change: c.2361C>G on transcript NM_000260.4 (MANE Select); coding-DNA position 2361, C replaced by G.
Protein change: p.Tyr787Ter; replaces tyrosine 787 with a stop codon.
Molecular consequence: nonsense.
Genome position (GRCh38, 1-based): chr11:77,179,123, C>G. VCF-style: chr11-77179123-C-G. GRCh37 (hg19) VCF-style: chr11-76890169-C-G.
Other names: c.2361C>G, p.Tyr787Ter (NM_001127180.2); c.2328C>G, p.Tyr776Ter (NM_001369365.1); short protein forms Y776*, Y787*.
Identifiers: ClinVar variation 5015067 (VCV005015067.1).
Genomic context (GRCh38, chr11:77,179,123, plus strand): 5'-GAAGAACGCTGCCACACTGATCCAGAGGCACTGGCGGGGTCACAACTGTAGGAAGAACTA[C>G]GGGCTGGTGAGCCTCCCCATGGGCTGCTCTTGCCCAAACAGGCCTTTGAACCCAGCCTTG-3'

ClinVar aggregate classification (germline): Pathogenic (1 of 4 stars; one submission).

Conditions:
Usher syndrome type 1 (USH1). Also called: RETINITIS PIGMENTOSA AND CONGENITAL DEAFNESS. Identifiers: Orphanet 231169, Orphanet 886, MedGen C1568247, MONDO:0010168, OMIM 276900.

Submission:

Myriad Genetics, Inc.
Classification: Pathogenic for Usher syndrome type 1. Last evaluated: 2025-10-08. Review status: criteria provided, single submitter. Criteria: Myriad Autosomal Dominant, Autosomal Recessive and X-Linked Classification Criteria (2023). Collection method: clinical testing. Allele origin: unknown.
Comment: NM_000260.3(MYO7A):c.2361C>G(Y787*) is expected to be pathogenic in the context of MYO7A-related disorders. This variant is predicted to lead to an abnormal or absent protein product due to the creation of a premature termination codon in MYO7A, a gene where loss-of-function variants are known to be pathogenic. Please note: this variant was assessed in the context of healthy population screening.